The following is an entry in ClinVar:

ClinVar aggregate classification (germline): Uncertain significance (1 of 4 stars; one submission).

Conditions:
Huntington disease-like 1 (HDL1). Also called: HUNTINGTON-LIKE NEURODEGENERATIVE DISORDER 1; HUNTINGTON-LIKE NEURODEGENERATIVE DISORDER, AUTOSOMAL DOMINANT; PRION DISEASE, EARLY-ONSET, WITH PROMINENT PSYCHIATRIC FEATURES. Identifiers: Orphanet 157941, MedGen C1864112, MONDO:0011299, OMIM 603218.

Submission:

Labcorp Genetics (formerly Invitae), Labcorp
Classification: Uncertain significance for Huntington disease-like 1. Last evaluated: 2025-10-08. Review status: criteria provided, single submitter. Criteria: Invitae Variant Classification Sherloc (09022015). Collection method: clinical testing. Allele origin: germline.
Comment: This sequence change replaces arginine, which is basic and polar, with serine, which is neutral and polar, at codon 25 of the PRNP protein (p.Arg25Ser). This variant is not present in population databases (gnomAD no frequency). This variant has not been reported in the literature in individuals affected with PRNP-related conditions. Invitae Evidence Modeling of protein sequence and biophysical properties (such as structural, functional, and spatial information, amino acid conservation, physicochemical variation, residue mobility, and thermodynamic stability) indicates that this missense variant is not expected to disrupt PRNP protein function with a negative predictive value of 80%. In summary, the available evidence is currently insufficient to determine the role of this variant in disease. Therefore, it has been classified as a Variant of Uncertain Significance.

NM_000311.5(PRNP):c.73C>A (p.Arg25Ser)

Gene: PRNP (prion protein (Kanno blood group); plus strand). Cytogenetic location: 20p13.
Variant type: single nucleotide variant.
Coding change: c.73C>A on transcript NM_000311.5 (MANE Select); coding-DNA position 73, C replaced by A.
Protein change: p.Arg25Ser; replaces arginine 25 with serine.
Molecular consequence: missense variant. On other transcripts: 5 prime UTR variant (1).
Genome position (GRCh38, 1-based): chr20:4,699,293, C>A. VCF-style: chr20-4699293-C-A. GRCh37 (hg19) VCF-style: chr20-4679939-C-A.
Other names: c.73C>A, p.Arg25Ser (NM_001080121.3, NM_001080122.3, NM_001080123.3 and 1 more transcripts); c.-17C>A (NM_001271561.3); short protein forms R25S.
Identifiers: ClinVar variation 4743058 (VCV004743058.1).